The following is an entry in ClinVar:

NM_000154.2(GALK1):c.182C>T (p.Thr61Met)

Gene: GALK1 (galactokinase 1; minus strand). Cytogenetic location: 17q25.1.
Variant type: single nucleotide variant.
Coding change: c.182C>T on transcript NM_000154.2 (MANE Select); coding-DNA position 182, C replaced by T.
Protein change: p.Thr61Met; replaces threonine 61 with methionine.
Molecular consequence: missense variant.
Genome position (GRCh38, 1-based): chr17:75,764,070, G>A on the plus strand (C>T on the coding strand, the complement: GALK1 is on the minus strand). VCF-style: chr17-75764070-G-A. GRCh37 (hg19) VCF-style: chr17-73760151-G-A.
Other names: c.182C>T, p.Thr61Met (NM_001381985.1); short protein forms T61M.
Identifiers: ClinVar variation 3098031 (VCV003098031.2), dbSNP rs376959270, ClinGen allele CA8771030.
Genomic context (GRCh38, chr17:75,764,070, plus strand): 5'-CCCTCAGAGGTGGTGAGGAGAGACACCAGCCCATCCTTGCGGGGGCTGCCCACCAGCACC[G>A]TCATGAGCTCCAGAGCCTGGCAGGAGAGACAAGCAGTACGTGAGGCTTCCGCCAGCTGGA-3'
Protein context (NP_000145.1, residues 51-71): LVLPMALELM[Thr61Met]VLVGSPRKDG

ClinVar aggregate classification (germline): Uncertain significance. Review status: criteria provided, multiple submitters, no conflicts (2 of 4 stars). 2 submissions from 2 submitters: Uncertain significance (2). Last evaluated 2023-09-26.

Conditions:
Inborn genetic diseases. Identifiers: MedGen C0950123, MeSH D030342.
Deficiency of galactokinase. Also called: GALACTOSEMIA II; Galactokinase deficiency with cataracts. Identifiers: Orphanet 352, Orphanet 79237, MedGen C0268155, MONDO:0009255, OMIM 230200.

Allele frequency attached by ClinVar (database versions not stated): TOPMed 0.00002; gnomAD 0.00003; ExAC 0.00008; ESP Exome Variant Server 0.00015; 1000 Genomes Project 30x 0.00031; 1000 Genomes Project 0.00040.
gnomAD v4.1: 16 of 1,585,232 alleles (0.001%); highest among the groups gnomAD compares: African/African-American, 0.008%; no homozygotes.

Submissions (2):

Ambry Genetics
Classification: Uncertain significance for Inborn genetic diseases. Last evaluated: 2023-09-26. Review status: criteria provided, single submitter. Criteria: Ambry Variant Classification Scheme 2023. Collection method: clinical testing. Allele origin: germline.

3billion
Classification: Uncertain significance for Deficiency of galactokinase. Last evaluated: 2023-09-04. Review status: criteria provided, single submitter. Criteria: ACMG Guidelines, 2015. Collection method: clinical testing. Allele origin: germline. Affected: yes.
Comment: The variant is observed at an extremely low frequency in the gnomAD v2.1.1 dataset (total allele frequency: 0.002%). Predicted Consequence/Location: Missense variant In silico tool predictions suggest damaging effect of the variant on gene or gene product [REVEL: 0.81 (>=0.6, sensitivity 0.68 and specificity 0.92)]. Therefore, this variant is classified as VUS according to the recommendation of ACMG/AMP guideline.